The following is an entry in ClinVar:

ClinVar aggregate classification (germline): Uncertain significance (1 of 4 stars; one submission).

Allele frequency attached by ClinVar (database versions not stated): gnomAD exomes below 0.00001.
gnomAD v4.1: 2 of 1,614,070 alleles (0.00012%); highest among the groups gnomAD compares: African/African-American, 0.0013%; no homozygotes.

Submission:

Labcorp Genetics (formerly Invitae), Labcorp
Classification: Uncertain significance. Last evaluated: 2023-08-03. Review status: criteria provided, single submitter. Criteria: Invitae Variant Classification Sherloc (09022015). Collection method: clinical testing. Allele origin: germline.
Comment: In summary, the available evidence is currently insufficient to determine the role of this variant in disease. Therefore, it has been classified as a Variant of Uncertain Significance. This variant disrupts the p.Arg465 amino acid residue in FOXP1. Other variant(s) that disrupt this residue have been determined to be pathogenic (PMID: 26647308, 34588003). This suggests that this residue is clinically significant, and that variants that disrupt this residue are likely to be disease-causing. Advanced modeling of protein sequence and biophysical properties (such as structural, functional, and spatial information, amino acid conservation, physicochemical variation, residue mobility, and thermodynamic stability) performed at Invitae indicates that this missense variant is expected to disrupt FOXP1 protein function. This variant has not been reported in the literature in individuals affected with FOXP1-related conditions. This variant is not present in population databases (gnomAD no frequency). This sequence change replaces arginine, which is basic and polar, with lysine, which is basic and polar, at codon 465 of the FOXP1 protein (p.Arg465Lys).

Literature cited by the submitters: PubMed 26647308; PubMed 34588003.

NM_001349338.3(FOXP1):c.1394G>A (p.Arg465Lys)

Gene: FOXP1 (forkhead box P1; minus strand). Cytogenetic location: 3p13.
Variant type: single nucleotide variant.
Coding change: c.1394G>A on transcript NM_001349338.3 (MANE Select); coding-DNA position 1394, G replaced by A.
Protein change: p.Arg465Lys; replaces arginine 465 with lysine.
Molecular consequence: missense variant. On other transcripts: non-coding transcript variant (2).
Genome position (GRCh38, 1-based): chr3:70,977,677, C>T on the plus strand (G>A on the coding strand, the complement: FOXP1 is on the minus strand). VCF-style: chr3-70977677-C-T. GRCh37 (hg19) VCF-style: chr3-71026828-C-T.
Other names: c.1391G>A, p.Arg464Lys (NM_001244808.3, NM_001349341.3); c.1394G>A, p.Arg465Lys (NM_001244810.2, NM_001244814.3, NM_001244816.2 and 3 more transcripts); c.1166G>A, p.Arg389Lys (NM_001244812.3); c.1094G>A, p.Arg365Lys (NM_001244813.3, NM_001244815.2, NM_001349342.3); c.1091G>A, p.Arg364Lys (NM_001349337.2, NM_001349343.3, NM_001349344.3 and 1 more transcripts); short protein forms R465K, R364K, R365K, R464K, R389K.
Identifiers: ClinVar variation 2749668 (VCV002749668.3), dbSNP rs1553668196, ClinGen allele CA353493270.